The following is an entry in ClinVar:

NM_021930.6(RINT1):c.1886+1G>T

Gene: RINT1 (RAD50 interactor 1; plus strand). Cytogenetic location: 7q22.3.
Variant type: single nucleotide variant.
Coding change: c.1886+1G>T on transcript NM_021930.6 (MANE Select); the canonical splice donor site of the intron after coding-DNA position 1886, G replaced by T.
Molecular consequence: splice donor variant.
Genome position (GRCh38, 1-based): chr7:105,563,948, G>T. VCF-style: chr7-105563948-G-T. GRCh37 (hg19) VCF-style: chr7-105204395-G-T.
Other names: c.863+1G>T (NM_001346600.2, NM_001346603.2); c.962+1G>T (NM_001346601.2); c.1652+1G>T (NM_001346599.2).
Identifiers: ClinVar variation 2139235 (VCV002139235.4), dbSNP rs2485176623, ClinGen allele CA368814343.

ClinVar aggregate classification (germline): Likely pathogenic (1 of 4 stars; one submission).

Allele frequency attached by ClinVar (database versions not stated): gnomAD exomes below 0.00001.
gnomAD v4.1: 2 of 1,609,136 alleles (0.00012%); highest among the groups gnomAD compares: African/African-American, 0.0013%; no homozygotes.

Submission:

Labcorp Genetics (formerly Invitae), Labcorp
Classification: Likely pathogenic. Last evaluated: 2023-03-26. Review status: criteria provided, single submitter. Criteria: Invitae Variant Classification Sherloc (09022015). Collection method: clinical testing. Allele origin: germline.
Comment: In summary, the currently available evidence indicates that the variant is pathogenic, but additional data are needed to prove that conclusively. Therefore, this variant has been classified as Likely Pathogenic. This sequence change affects a donor splice site in intron 12 of the RINT1 gene. It is expected to disrupt RNA splicing. Variants that disrupt the donor or acceptor splice site typically lead to a loss of protein function (PMID: 16199547), and loss-of-function variants in RINT1 are known to be pathogenic (PMID: 31204009). Algorithms developed to predict the effect of sequence changes on RNA splicing suggest that this variant may disrupt the consensus splice site. ClinVar contains an entry for this variant (Variation ID: 2139235). This variant has not been reported in the literature in individuals affected with RINT1-related conditions. This variant is not present in population databases (gnomAD no frequency).

Literature cited by the submitters: PubMed 16199547; PubMed 31204009.